The following is an entry in ClinVar:

NM_001845.6(COL4A1):c.4749T>G (p.Phe1583Leu)

Gene: COL4A1 (collagen type IV alpha 1 chain; minus strand). Cytogenetic location: 13q34.
Variant type: single nucleotide variant.
Coding change: c.4749T>G on transcript NM_001845.6 (MANE Select); coding-DNA position 4749, T replaced by G.
Protein change: p.Phe1583Leu; replaces phenylalanine 1583 with leucine.
Molecular consequence: missense variant.
Genome position (GRCh38, 1-based): chr13:110,155,289, A>C on the plus strand (T>G on the coding strand, the complement: COL4A1 is on the minus strand). VCF-style: chr13-110155289-A-C. GRCh37 (hg19) VCF-style: chr13-110807636-A-C.
Other names: short protein forms F1583L.
Identifiers: ClinVar variation 2705356 (VCV002705356.3), dbSNP rs2501722776, ClinGen allele CA388655496.

ClinVar aggregate classification (germline): Uncertain significance (1 of 4 stars; one submission).

Submission:

Labcorp Genetics (formerly Invitae), Labcorp
Classification: Uncertain significance. Last evaluated: 2023-12-25. Review status: criteria provided, single submitter. Criteria: Invitae Variant Classification Sherloc (09022015). Collection method: clinical testing. Allele origin: germline.
Comment: This sequence change replaces phenylalanine, which is neutral and non-polar, with leucine, which is neutral and non-polar, at codon 1583 of the COL4A1 protein (p.Phe1583Leu). This variant is not present in population databases (gnomAD no frequency). This variant has not been reported in the literature in individuals affected with COL4A1-related conditions. Experimental studies and prediction algorithms are not available or were not evaluated, and the functional significance of this variant is currently unknown. In summary, the available evidence is currently insufficient to determine the role of this variant in disease. Therefore, it has been classified as a Variant of Uncertain Significance.